The following is an entry in ClinVar:

ClinVar aggregate classification (germline): Conflicting classifications of pathogenicity. Review status: criteria provided, conflicting classifications (1 of 4 stars). 6 submissions from 6 submitters: Uncertain significance (1); Likely benign (5). Last evaluated 2026-02-01.

Conditions:
POLE-related polyposis and colorectal cancer syndrome. Identifiers: MedGen CN324030, MONDO:0100287.
Hereditary cancer-predisposing syndrome. Also called: Neoplastic Syndromes, Hereditary; Hereditary Cancer Syndrome; Tumor predisposition; Hereditary neoplastic syndrome. Identifiers: Orphanet 140162, MedGen C0027672, MeSH D009386, MONDO:0015356.

Allele frequency attached by ClinVar (database versions not stated): gnomAD exomes below 0.00001 and 0.00001; gnomAD 0.00001; ExAC 0.00003; TOPMed 0.00003.
gnomAD v4.1: 7 of 1,613,844 alleles (0.00043%); highest among the groups gnomAD compares: African/African-American, 0.0027%; no homozygotes.

Submissions (6):

Labcorp Genetics (formerly Invitae), Labcorp
Classification: Likely benign. Last evaluated: 2026-02-01. Review status: criteria provided, single submitter. Criteria: Invitae Variant Classification Sherloc (09022015). Collection method: clinical testing. Allele origin: germline.

Ambry Genetics
Classification: Likely benign for Hereditary cancer-predisposing syndrome. Last evaluated: 2025-02-14. Review status: criteria provided, single submitter. Criteria: Ambry Variant Classification Scheme 2023. Collection method: clinical testing. Allele origin: germline.

Blueprint Genetics
Classification: Likely benign. Last evaluated: 2022-09-01. Review status: criteria provided, single submitter. Criteria: ACMG Guidelines, 2015. Collection method: clinical testing. Allele origin: germline.

Department of Pathology and Laboratory Medicine, Sinai Health System
Classification: Uncertain significance for POLE-related polyposis and colorectal cancer syndrome. Last evaluated: 2020-10-27. Review status: criteria provided, single submitter. Criteria: ACMG Guidelines, 2015. Collection method: clinical testing. Allele origin: germline. Affected: no.

Quest Diagnostics Nichols Institute San Juan Capistrano
Classification: Likely benign. Last evaluated: 2019-05-24. Review status: criteria provided, single submitter. Criteria: Quest Diagnostics criteria. Collection method: clinical testing. Allele origin: germline.

GeneDx
Classification: Likely benign. Last evaluated: 2018-03-15. Review status: criteria provided, single submitter. Criteria: GeneDx Variant Classification (06012015). Collection method: clinical testing. Allele origin: germline. Affected: yes.
Comment: This variant is considered likely benign or benign based on one or more of the following criteria: it is a conservative change, it occurs at a poorly conserved position in the protein, it is predicted to be benign by multiple in silico algorithms, and/or has population frequency not consistent with disease.

NM_006231.4(POLE):c.1924-5C>T

Gene: POLE (DNA polymerase epsilon, catalytic subunit; minus strand). Cytogenetic location: 12q24.33.
Variant type: single nucleotide variant.
Coding change: c.1924-5C>T on transcript NM_006231.4 (MANE Select); 5 bases into the intron before coding-DNA position 1924, C replaced by T.
Molecular consequence: intron variant.
Genome position (GRCh38, 1-based): chr12:132,668,742, G>A on the plus strand (C>T on the coding strand, the complement: POLE is on the minus strand). VCF-style: chr12-132668742-G-A. GRCh37 (hg19) VCF-style: chr12-133245328-G-A.
Identifiers: ClinVar variation 240412 (VCV000240412.20), dbSNP rs878854846, ClinGen allele CA6893755.
Genomic context (GRCh38, chr12:132,668,742, plus strand): 5'-CCAGGCTTATTGAAGTCACAGGCAGCACAGGTGGCTTCGTCCACCATGGCAGAGGGCTGG[G>A]AGGGGTGAGAAAGCACTTAGGGCTGGGCAGAGAGAGCTCCGACTCTGACACGGGAAGTAA-3'